The following is an entry in ClinVar:

NM_025137.4(SPG11):c.3038+14A>G

Gene: SPG11 (SPG11 vesicle trafficking associated, spatacsin; minus strand). Cytogenetic location: 15q21.1.
Variant type: single nucleotide variant.
Coding change: c.3038+14A>G on transcript NM_025137.4 (MANE Select); 14 bases into the intron after coding-DNA position 3038, A replaced by G.
Molecular consequence: intron variant.
Genome position (GRCh38, 1-based): chr15:44,615,349, T>C on the plus strand (A>G on the coding strand, the complement: SPG11 is on the minus strand). VCF-style: chr15-44615349-T-C. GRCh37 (hg19) VCF-style: chr15-44907547-T-C.
Other names: c.3038+14A>G (NM_001160227.2).
Identifiers: ClinVar variation 316098 (VCV000316098.13), dbSNP rs774593393, ClinGen allele CA7535085.

ClinVar aggregate classification (germline): Conflicting classifications of pathogenicity. Review status: criteria provided, conflicting classifications (1 of 4 stars). 3 submissions from 3 submitters: Uncertain significance (1); Likely benign (2). Last evaluated 2025-12-29.

Conditions:
Hereditary spastic paraplegia 11. Also called: SPASTIC PARAPLEGIA, AUTOSOMAL RECESSIVE, COMPLICATED, WITH THIN CORPUS CALLOSUM; SPASTIC PARAPLEGIA, AUTOSOMAL RECESSIVE, WITH MENTAL IMPAIRMENT AND THIN CORPUS CALLOSUM; Nakamura Osame syndrome; Autosomal recessive hereditary spastic paraplegia, mental impairment, and thin corpus callosum; Spastic paraplegia, mental retardation and thin corpus callosum; Spastic Paraplegia 11. Identifiers: Orphanet 2822, MedGen C1858479, MONDO:0011445, OMIM 604360.

Allele frequency attached by ClinVar (database versions not stated): ExAC 0.00001; gnomAD exomes 0.00002 and 0.00004; TOPMed 0.00006; gnomAD 0.00007.
gnomAD v4.1: 71 of 1,612,106 alleles (0.0044%); highest among the groups gnomAD compares: Non-Finnish European, 0.0053%; no homozygotes.

Submissions (3):

Labcorp Genetics (formerly Invitae), Labcorp
Classification: Likely benign for Hereditary spastic paraplegia 11. Last evaluated: 2025-12-29. Review status: criteria provided, single submitter. Criteria: Invitae Variant Classification Sherloc (09022015). Collection method: clinical testing. Allele origin: germline.

Women's Health and Genetics/Laboratory Corporation of America, LabCorp
Classification: Likely benign. Last evaluated: 2024-08-09. Review status: criteria provided, single submitter. Criteria: LabCorp Variant Classification Summary - May 2015. Collection method: clinical testing. Allele origin: germline.
Comment: Variant summary: SPG11 c.3038+14A>G alters a non-conserved nucleotide located at a position not widely known to affect splicing. Consensus agreement among computation tools predict no significant impact on normal splicing. However, these predictions have yet to be confirmed by functional studies. The variant allele was found at a frequency of 1.6e-05 in 251008 control chromosomes. The available data on variant occurrences in the general population are insufficient to allow any conclusion about variant significance. To our knowledge, no occurrence of c.3038+14A>G in individuals affected with Hereditary Spastic Paraplegia, Type 11 and no experimental evidence demonstrating its impact on protein function have been reported. ClinVar contains an entry for this variant (Variation ID: 316098). Based on the evidence outlined above, the variant was classified as likely benign.

Illumina Laboratory Services, Illumina
Classification: Uncertain significance for Hereditary spastic paraplegia 11. Last evaluated: 2018-01-13. Review status: criteria provided, single submitter. Criteria: ICSL Variant Classification Criteria 13 December 2019. Collection method: clinical testing. Allele origin: germline.